The following is an entry in ClinVar:

ClinVar aggregate classification (germline): Uncertain significance. Review status: criteria provided, multiple submitters, no conflicts (2 of 4 stars). 2 submissions from 2 submitters: Uncertain significance (2). Last evaluated 2023-12-02.

Conditions:
Pancreatic adenocarcinoma. Identifiers: MedGen C0281361, MONDO:0006047, HP:0006725.

Allele frequency attached by ClinVar (database versions not stated): TOPMed below 0.00001; gnomAD exomes 0.00001.
gnomAD v4.1: 14 of 1,613,862 alleles (0.00087%); highest among the groups gnomAD compares: Non-Finnish European, 0.0012%; no homozygotes.

Submissions (2):

Ambry Genetics
Classification: Uncertain significance. Last evaluated: 2023-12-02. Review status: criteria provided, single submitter. Criteria: Ambry Variant Classification Scheme 2023. Collection method: clinical testing. Allele origin: germline.
Comment: The p.D758A variant (also known as c.2273A>C), located in coding exon 12 of the PALLD gene, results from an A to C substitution at nucleotide position 2273. The aspartic acid at codon 758 is replaced by alanine, an amino acid with dissimilar properties. This amino acid position is conserved. In addition, this alteration is predicted to be tolerated by in silico analysis. Since supporting evidence is limited at this time, the clinical significance of this alteration remains unclear.

Labcorp Genetics (formerly Invitae), Labcorp
Classification: Uncertain significance for Pancreatic adenocarcinoma. Last evaluated: 2023-10-13. Review status: criteria provided, single submitter. Criteria: Invitae Variant Classification Sherloc (09022015). Collection method: clinical testing. Allele origin: germline.
Comment: This sequence change replaces aspartic acid, which is acidic and polar, with alanine, which is neutral and non-polar, at codon 271 of the PALLD protein (p.Asp271Ala). This variant is not present in population databases (gnomAD no frequency). This variant has not been reported in the literature in individuals affected with PALLD-related conditions. ClinVar contains an entry for this variant (Variation ID: 1788813). An algorithm developed to predict the effect of missense changes on protein structure and function (PolyPhen-2) suggests that this variant is likely to be tolerated. In summary, the available evidence is currently insufficient to determine the role of this variant in disease. Therefore, it has been classified as a Variant of Uncertain Significance.

NM_001166108.2(PALLD):c.2324A>C (p.Asp775Ala)

Genes: CBR4 (carbonyl reductase 4; minus strand), PALLD (palladin, cytoskeletal associated protein; plus strand). Cytogenetic location: 4q32.3.
Variant type: single nucleotide variant.
Coding change: c.2324A>C on transcript NM_001166108.2 (MANE Select); coding-DNA position 2324, A replaced by C.
Protein change: p.Asp775Ala; replaces aspartic acid 775 with alanine.
Molecular consequence: missense variant.
Genome position (GRCh38, 1-based): chr4:168,898,566, A>C. VCF-style: chr4-168898566-A-C. GRCh37 (hg19) VCF-style: chr4-169819717-A-C.
Other names: c.1127A>C, p.Asp376Ala (NM_001166109.2); c.812A>C, p.Asp271Ala (NM_001166110.2); c.152A>C, p.Asp51Ala (NM_001367567.1, NM_001367569.1); c.203A>C, p.Asp68Ala (NM_001367568.1, NM_001367570.1); c.2273A>C, p.Asp758Ala (NM_016081.4); short protein forms D775A, D376A, D758A, D51A, D271A, D68A.
Identifiers: ClinVar variation 1788813 (VCV001788813.5), dbSNP rs1755775639, ClinGen allele CA358798809.